The following is an entry in ClinVar:

NM_001013839.4(EXOC7):c.901+701C>G

Gene: EXOC7 (exocyst complex component 7; minus strand). Cytogenetic location: 17q25.1.
Variant type: single nucleotide variant.
Coding change: c.901+701C>G on transcript NM_001013839.4 (MANE Select); 701 bases into the intron after coding-DNA position 901, C replaced by G.
Molecular consequence: intron variant. On other transcripts: missense variant (1).
Genome position (GRCh38, 1-based): chr17:76,090,442, G>C on the plus strand (C>G on the coding strand, the complement: EXOC7 is on the minus strand). VCF-style: chr17-76090442-G-C. GRCh37 (hg19) VCF-style: chr17-74086523-G-C.
Other names: c.941C>G, p.Pro314Arg (NM_001145297.4); c.809-1122C>G (NM_015219.5, NM_001375975.1); c.809-45C>G (NM_001145298.4); c.901+701C>G (NM_001375974.1); c.902-45C>G (NM_001145299.4, NM_001375976.1); c.778+701C>G (NM_001282313.2); short protein forms P314R.
Identifiers: ClinVar variation 2692469 (VCV002692469.1), dbSNP rs1048524453, ClinGen allele CA294148051.

ClinVar aggregate classification (germline): Uncertain significance (1 of 4 stars; one submission).

Allele frequency attached by ClinVar (database versions not stated): gnomAD 0.00001; TOPMed 0.00002.
gnomAD v4.1: 9 of 1,551,584 alleles (0.00058%); highest among the groups gnomAD compares: Non-Finnish European, 0.00078%; no homozygotes.

Submission:

Greenwood Genetic Center Diagnostic Laboratories, Greenwood Genetic Center
Classification: Uncertain significance. Last evaluated: 2023-11-16. Review status: criteria provided, single submitter. Criteria: ACMG Guidelines, 2015. Collection method: clinical testing. Allele origin: germline. Affected: yes.
Comment: PM2